The following is an entry in ClinVar:

NM_152564.5(VPS13B):c.9969T>A (p.Tyr3323Ter)

Gene: VPS13B (vacuolar protein sorting 13 homolog B; plus strand). Cytogenetic location: 8q22.2.
Variant type: single nucleotide variant.
Coding change: c.9969T>A on transcript NM_152564.5 (MANE Select); coding-DNA position 9969, T replaced by A.
Protein change: p.Tyr3323Ter; replaces tyrosine 3323 with a stop codon.
Molecular consequence: nonsense.
Genome position (GRCh38, 1-based): chr8:99,848,802, T>A. VCF-style: chr8-99848802-T-A. GRCh37 (hg19) VCF-style: chr8-100861030-T-A.
Other names: c.10044T>A, p.Tyr3348Ter (NM_017890.5); short protein forms Y3323*, Y3348*.
Identifiers: ClinVar variation 5015087 (VCV005015087.1).

ClinVar aggregate classification (germline): Pathogenic (1 of 4 stars; one submission).

Conditions:
Cohen syndrome (COH1). Also called: Cutis verticis gyrata, retinitis pigmentosa, and sensorineural deafness; PEPPER SYNDROME. Identifiers: Orphanet 193, MedGen C0265223, MONDO:0008999, OMIM 216550.

Submission:

Myriad Genetics, Inc.
Classification: Pathogenic for Cohen syndrome. Last evaluated: 2025-10-13. Review status: criteria provided, single submitter. Criteria: Myriad Autosomal Dominant, Autosomal Recessive and X-Linked Classification Criteria (2023). Collection method: clinical testing. Allele origin: unknown.
Comment: NM_017890.4(VPS13B):c.10044T>A(Y3348*) is expected to be pathogenic in the context of Cohen syndrome. This variant is predicted to lead to an abnormal or absent protein product due to the creation of a premature termination codon in VPS13B, a gene where loss-of-function variants are known to be pathogenic. Please note: this variant was assessed in the context of healthy population screening.